The following is an entry in ClinVar:

NM_000071.3(CBS):c.71C>T (p.Ala24Val)

Gene: CBS (cystathionine beta-synthase; minus strand). Cytogenetic location: 21q22.3.
Variant type: single nucleotide variant.
Coding change: c.71C>T on transcript NM_000071.3 (MANE Select); coding-DNA position 71, C replaced by T.
Protein change: p.Ala24Val; replaces alanine 24 with valine.
Molecular consequence: missense variant.
Genome position (GRCh38, 1-based): chr21:43,072,123, G>A on the plus strand (C>T on the coding strand, the complement: CBS is on the minus strand). VCF-style: chr21-43072123-G-A. GRCh37 (hg19) VCF-style: chr21-44492233-G-A.
Other names: c.71C>T, p.Ala24Val (NM_001178008.3, NM_001178009.3, NM_001320298.2); short protein forms A24V.
Identifiers: ClinVar variation 871476 (VCV000871476.47), dbSNP rs759682004, ClinGen allele CA321104045.

ClinVar aggregate classification (germline): Uncertain significance. Review status: criteria provided, multiple submitters, no conflicts (2 of 4 stars). 5 submissions from 5 submitters: Uncertain significance (4). 1 of the submissions does not count toward it. Last evaluated 2022-03-17.

Conditions:
HYPERHOMOCYSTEINEMIA, THROMBOTIC, CBS-RELATED. Identifiers: MedGen C3150344, OMIM 236200.
Familial thoracic aortic aneurysm and aortic dissection (TAAD). Also called: Thoracic aortic aneurysms and dissections. Identifiers: Orphanet 91387, MedGen C4707243, MONDO:0019625.
Classic homocystinuria. Also called: Homocystinuria due to Cystathionine Beta-Synthase Deficiency; Homocystinuria due to CBS deficiency; Cystathionine beta-synthase deficiency; CBS deficiency; HOMOCYSTINURIA WITH OR WITHOUT RESPONSE TO PYRIDOXINE. Identifiers: Orphanet 394, MedGen C0751202, MONDO:0009352, OMIM 236200.

Allele frequency attached by ClinVar (database versions not stated): ExAC 0.00003; gnomAD exomes 0.00004.

Submissions (5):

Labcorp Genetics (formerly Invitae), Labcorp
Classification: Uncertain significance for HYPERHOMOCYSTEINEMIA, THROMBOTIC, CBS-RELATED. Last evaluated: 2022-03-17. Review status: criteria provided, single submitter. Criteria: Invitae Variant Classification Sherloc (09022015). Collection method: clinical testing. Allele origin: germline.
Comment: This sequence change replaces alanine, which is neutral and non-polar, with valine, which is neutral and non-polar, at codon 24 of the CBS protein (p.Ala24Val). This variant is present in population databases (rs759682004, gnomAD 0.02%). This variant has not been reported in the literature in individuals affected with CBS-related conditions. ClinVar contains an entry for this variant (Variation ID: 871476). Algorithms developed to predict the effect of missense changes on protein structure and function (SIFT, PolyPhen-2, Align-GVGD) all suggest that this variant is likely to be tolerated. Algorithms developed to predict the effect of sequence changes on RNA splicing suggest that this variant may create or strengthen a splice site. In summary, the available evidence is currently insufficient to determine the role of this variant in disease. Therefore, it has been classified as a Variant of Uncertain Significance.

Ambry Genetics
Classification: Uncertain significance for Familial thoracic aortic aneurysm and aortic dissection. Last evaluated: 2022-02-08. Review status: criteria provided, single submitter. Criteria: Ambry Variant Classification Scheme 2023. Collection method: clinical testing. Allele origin: germline.
Comment: The p.A24V variant (also known as c.71C>T), located in coding exon 1 of the CBS gene, results from a C to T substitution at nucleotide position 71. The alanine at codon 24 is replaced by valine, an amino acid with similar properties. This amino acid position is conserved. In addition, this alteration is predicted to be tolerated by in silico analysis. Since supporting evidence is limited at this time, the clinical significance of this alteration remains unclear.

GeneDx
Classification: Uncertain significance. Last evaluated: 2021-04-23. Review status: criteria provided, single submitter. Criteria: GeneDx Variant Classification Process June 2021. Collection method: clinical testing. Allele origin: germline. Affected: yes.
Comment: In silico analysis supports that this missense variant does not alter protein structure/function; Has not been previously published as pathogenic or benign to our knowledge

CeGaT Center for Human Genetics Tuebingen
Classification: Uncertain significance. Last evaluated: 2019-12-01. Review status: criteria provided, single submitter. Criteria: CeGaT Center For Human Genetics Tuebingen Variant Classification Criteria Version 2. Collection method: clinical testing. Allele origin: germline. Affected: yes. Observed: 2 variant alleles.

Natera, Inc.
Classification: Uncertain significance for Homocystinuria due to cystathionine beta-synthase deficiency. Last evaluated: 2020-03-11. Review status: no assertion criteria provided. Collection method: clinical testing. Allele origin: germline. Not counted in ClinVar's aggregate classification.